The following is an entry in ClinVar:

NM_031229.4(RBCK1):c.1438C>T (p.Arg480Cys)

Gene: RBCK1 (RANBP2-type and C3HC4-type zinc finger containing 1; plus strand). Cytogenetic location: 20p13.
Variant type: single nucleotide variant.
Coding change: c.1438C>T on transcript NM_031229.4 (MANE Select); coding-DNA position 1438, C replaced by T.
Protein change: p.Arg480Cys; replaces arginine 480 with cysteine.
Molecular consequence: missense variant. On other transcripts: non-coding transcript variant (1).
Genome position (GRCh38, 1-based): chr20:429,080, C>T. VCF-style: chr20-429080-C-T. GRCh37 (hg19) VCF-style: chr20-409724-C-T.
Other names: c.928C>T, p.Arg310Cys (NM_001323956.2, NM_001323958.2); c.1312C>T, p.Arg438Cys (NM_006462.6); short protein forms R438C, R480C, R310C.
Identifiers: ClinVar variation 1436806 (VCV001436806.4), dbSNP rs1436848446, ClinGen allele CA407938991.

ClinVar aggregate classification (germline): Uncertain significance (1 of 4 stars; one submission).

Conditions:
Polyglucosan body myopathy type 1 (PGBM1). Also called: Polyglucosan body myopathy 1 with or without immunodeficiency; POLYGLUCOSAN BODY MYOPATHY WITHOUT IMMUNODEFICIENCY. Identifiers: Orphanet 329173, Orphanet 397937, MedGen C4014605, MONDO:0014389, OMIM 615895.

Allele frequency attached by ClinVar (database versions not stated): gnomAD exomes below 0.00001; gnomAD 0.00001.

Submission:

Labcorp Genetics (formerly Invitae), Labcorp
Classification: Uncertain significance for Polyglucosan body myopathy type 1. Last evaluated: 2022-10-17. Review status: criteria provided, single submitter. Criteria: Invitae Variant Classification Sherloc (09022015). Collection method: clinical testing. Allele origin: germline.
Comment: This sequence change replaces arginine, which is basic and polar, with cysteine, which is neutral and slightly polar, at codon 480 of the RBCK1 protein (p.Arg480Cys). The frequency data for this variant in the population databases is considered unreliable, as metrics indicate poor data quality at this position in the gnomAD database. This variant has not been reported in the literature in individuals affected with RBCK1-related conditions. ClinVar contains an entry for this variant (Variation ID: 1436806). Advanced modeling of protein sequence and biophysical properties (such as structural, functional, and spatial information, amino acid conservation, physicochemical variation, residue mobility, and thermodynamic stability) performed at Invitae indicates that this missense variant is expected to disrupt RBCK1 protein function. In summary, the available evidence is currently insufficient to determine the role of this variant in disease. Therefore, it has been classified as a Variant of Uncertain Significance.